The following is an entry in ClinVar:

NM_006828.4(ASCC3):c.4541G>A (p.Arg1514Gln)

Gene: ASCC3 (activating signal cointegrator 1 complex subunit 3; minus strand). Cytogenetic location: 6q16.3.
Variant type: single nucleotide variant.
Coding change: c.4541G>A on transcript NM_006828.4 (MANE Select); coding-DNA position 4541, G replaced by A.
Protein change: p.Arg1514Gln; replaces arginine 1514 with glutamine.
Molecular consequence: missense variant.
Genome position (GRCh38, 1-based): chr6:100,627,691, C>T on the plus strand (G>A on the coding strand, the complement: ASCC3 is on the minus strand). VCF-style: chr6-100627691-C-T. GRCh37 (hg19) VCF-style: chr6-101075567-C-T.
Other names: short protein forms R1514Q.
Identifiers: ClinVar variation 2509164 (VCV002509164.4), dbSNP rs142364575, ClinGen allele CA3938040.
Genomic context (GRCh38, chr6:100,627,691, plus strand): 5'-TAATGTTGACCTGGAAAGCCTTGAATGTGAACTTCCAGTGGAACTGGGCGTACTGATGGT[C>T]GGAAGTTAAACAAGCCCATCTAGAGTAAATATGAGAGAGAAACCATTTTCAATTTTTATA-3'
Protein context (NP_006819.2, residues 1504-1524): NIKQMGLFNF[Arg1514Gln]PSVRPVPLEV

ClinVar aggregate classification (germline): Uncertain significance. Review status: criteria provided, multiple submitters, no conflicts (2 of 4 stars). 2 submissions from 2 submitters: Uncertain significance (2). Last evaluated 2023-05-17.

Conditions:
Inborn genetic diseases. Identifiers: MedGen C0950123, MeSH D030342.
Intellectual developmental disorder, autosomal recessive 81 (MRT81). Identifiers: MedGen C5882758, MONDO:0958204, OMIM 620700.

Allele frequency attached by ClinVar (database versions not stated): ExAC 0.00014; TOPMed 0.00017; gnomAD 0.00019; ESP Exome Variant Server 0.00023; 1000 Genomes Project 30x 0.00031; 1000 Genomes Project 0.00040.
gnomAD v4.1: 110 of 1,613,424 alleles (0.0068%); highest among the groups gnomAD compares: East Asian, 0.08%; no homozygotes.

Submissions (2):

Ambry Genetics
Classification: Uncertain significance for Inborn genetic diseases. Last evaluated: 2023-05-17. Review status: criteria provided, single submitter. Criteria: Ambry Variant Classification Scheme 2023. Collection method: clinical testing. Allele origin: germline.

Juno Genomics, Hangzhou Juno Genomics, Inc
Classification: Uncertain significance for Intellectual developmental disorder, autosomal recessive 81. Review status: criteria provided, single submitter. Criteria: ACMG Guidelines, 2015. Collection method: clinical testing. Allele origin: germline.
Comment: Missense variant in a gene that has a low rate of benign missense variation.;Multiple lines of computational evidence support a deleterious effect on the gene or gene product.;Absent from controls (or at extremely low frequency if recessive) in Genome Aggregation Database.